The following is an entry in ClinVar:

ClinVar aggregate classification (germline): Conflicting classifications of pathogenicity. Review status: criteria provided, conflicting classifications (1 of 4 stars). 3 submissions from 3 submitters: Uncertain significance (1); Benign (1); Likely benign (1). Last evaluated 2024-02-26.

Allele frequency attached by ClinVar (database versions not stated): gnomAD below 0.00001 and 0.00007; TOPMed 0.00001; gnomAD exomes 0.00013 and 0.00028; 1000 Genomes Project 30x 0.00031; ExAC 0.00035; 1000 Genomes Project 0.00040.
gnomAD v4.1: 203 of 1,613,810 alleles (0.013%); highest among the groups gnomAD compares: South Asian, 0.22%; 1 homozygote.

Submissions (3):

Labcorp Genetics (formerly Invitae), Labcorp
Classification: Benign. Last evaluated: 2024-02-26. Review status: criteria provided, single submitter. Criteria: Invitae Variant Classification Sherloc (09022015). Collection method: clinical testing. Allele origin: germline.

CeGaT Center for Human Genetics Tuebingen
Classification: Likely benign. Last evaluated: 2023-10-01. Review status: criteria provided, single submitter. Criteria: CeGaT Center For Human Genetics Tuebingen Variant Classification Criteria Version 2. Collection method: clinical testing. Allele origin: germline. Affected: yes. Observed: 1 variant allele.
Comment: CC2D1A: BP4, BP7

Genetic Services Laboratory, University of Chicago
Classification: Uncertain significance. Last evaluated: 2015-05-06. Review status: criteria provided, single submitter. Criteria: ACMG Guidelines, 2015. Collection method: clinical testing. Allele origin: germline.

NM_017721.5(CC2D1A):c.696T>G (p.Ser232=)

Gene: CC2D1A (coiled-coil and C2 domain containing 1A; plus strand). Cytogenetic location: 19p13.12.
Variant type: single nucleotide variant.
Coding change: c.696T>G on transcript NM_017721.5 (MANE Select); coding-DNA position 696, T replaced by G.
Protein change: p.Ser232=; no amino-acid change (serine 232 retained).
Molecular consequence: synonymous variant.
Genome position (GRCh38, 1-based): chr19:13,913,586, T>G. VCF-style: chr19-13913586-T-G. GRCh37 (hg19) VCF-style: chr19-14024399-T-G.
Identifiers: ClinVar variation 210606 (VCV000210606.36), dbSNP rs534160840, ClinGen allele CA205433.
Genomic context (GRCh38, chr19:13,913,586, plus strand): 5'-CCAGCCGGCCCCTAGAATCGCGTCAGCCCCAGAGCCCAGGGTCACCCTGGAGGGACCTTC[T>G]GCCACCGCCCCAGCCTCATCTCCAGGCTTGGCTAAGCCCCAGATGCCCCCAGGTAGGTGA-3'
Protein context (NP_060191.3, residues 222-242): PEPRVTLEGP[Ser232=]ATAPASSPGL